The following is an entry in ClinVar:

NM_000237.3(LPL):c.388C>A (p.Leu130Met)

Gene: LPL (lipoprotein lipase; plus strand). Cytogenetic location: 8p21.3.
Variant type: single nucleotide variant.
Coding change: c.388C>A on transcript NM_000237.3 (MANE Select); coding-DNA position 388, C replaced by A.
Protein change: p.Leu130Met; replaces leucine 130 with methionine.
Molecular consequence: missense variant.
Genome position (GRCh38, 1-based): chr8:19,951,907, C>A. VCF-style: chr8-19951907-C-A. GRCh37 (hg19) VCF-style: chr8-19809418-C-A.
Other names: short protein forms L130M.
Identifiers: ClinVar variation 4855023 (VCV004855023.1).

ClinVar aggregate classification (germline): Uncertain significance (1 of 4 stars; one submission).

Conditions:
Hyperlipidemia, familial combined, LPL related (FCHL3). Also called: Hyperapobetalipoproteinemia. Identifiers: MedGen C0020474, MONDO:0007759, OMIM 144250, HP:0008158.

gnomAD v4.1: 1 of 1,614,026 alleles (0.000062%); highest among the groups gnomAD compares: East Asian, 0.0022%; no homozygotes.

Submission:

3billion
Classification: Uncertain significance for Hyperlipidemia, familial combined, LPL related. Last evaluated: 2025-09-25. Review status: criteria provided, single submitter. Criteria: ACMG Guidelines, 2015. Collection method: clinical testing. Allele origin: germline. Affected: yes.
Comment: The variant is observed at an extremely low frequency in the gnomAD v4.1.0 dataset (total allele frequency: <0.001%). Predicted Consequence/Location: Missense variant Damaging effect on gene or gene product predicted by in silico programs is uncertain [REVEL: 0.41 (damaging >=0.6, benign <0.4), 3Cnet: 0.43 (damaging >0.75, benign <0.1)]. The variant has been reported as of uncertain significance (PMID: 36325899). Therefore, this variant is classified as VUS according to the recommendation of ACMG/AMP guideline.